The following is an entry in ClinVar:

NM_152703.5(SAMD9L):c.4112A>G (p.Asn1371Ser)

Gene: SAMD9L (sterile alpha motif domain containing 9 like; minus strand). Cytogenetic location: 7q21.2.
Variant type: single nucleotide variant.
Coding change: c.4112A>G on transcript NM_152703.5 (MANE Select); coding-DNA position 4112, A replaced by G.
Protein change: p.Asn1371Ser; replaces asparagine 1371 with serine.
Molecular consequence: missense variant.
Genome position (GRCh38, 1-based): chr7:93,131,860, T>C on the plus strand (A>G on the coding strand, the complement: SAMD9L is on the minus strand). VCF-style: chr7-93131860-T-C. GRCh37 (hg19) VCF-style: chr7-92761173-T-C.
Other names: c.4112A>G, p.Asn1371Ser (NM_001303496.3, NM_001303497.3, NM_001303498.3 and 5 more transcripts); short protein forms N1371S.
Identifiers: ClinVar variation 3792221 (VCV003792221.1).

ClinVar aggregate classification (germline): Uncertain significance (1 of 4 stars; one submission).

Conditions:
Inborn genetic diseases. Identifiers: MedGen C0950123, MeSH D030342.

Submission:

Ambry Genetics
Classification: Uncertain significance for Inborn genetic diseases. Last evaluated: 2024-12-17. Review status: criteria provided, single submitter. Criteria: Ambry Variant Classification Scheme 2023. Collection method: clinical testing. Allele origin: germline.
Comment: The p.N1371S variant (also known as c.4112A>G), located in coding exon 1 of the SAMD9L gene, results from an A to G substitution at nucleotide position 4112. The asparagine at codon 1371 is replaced by serine, an amino acid with highly similar properties. This amino acid position is conserved. In addition, this alteration is predicted to be tolerated by in silico analysis. Based on the available evidence, the clinical significance of this variant remains unclear.